The following is an entry in ClinVar:

ClinVar aggregate classification (germline): Uncertain significance (1 of 4 stars; one submission).

Allele frequency attached by ClinVar (database versions not stated): gnomAD exomes below 0.00001; ExAC 0.00001; TOPMed 0.00001.

Submission:

Labcorp Genetics (formerly Invitae), Labcorp
Classification: Uncertain significance. Last evaluated: 2022-05-27. Review status: criteria provided, single submitter. Criteria: Invitae Variant Classification Sherloc (09022015). Collection method: clinical testing. Allele origin: germline.
Comment: In summary, the available evidence is currently insufficient to determine the role of this variant in disease. Therefore, it has been classified as a Variant of Uncertain Significance. Algorithms developed to predict the effect of missense changes on protein structure and function output the following: SIFT: "Tolerated"; PolyPhen-2: "Benign"; Align-GVGD: "Class C0". The valine amino acid residue is found in multiple mammalian species, which suggests that this missense change does not adversely affect protein function. This variant has not been reported in the literature in individuals affected with VPS13C-related conditions. This variant is present in population databases (rs753495462, gnomAD 0.0009%). This sequence change replaces methionine, which is neutral and non-polar, with valine, which is neutral and non-polar, at codon 1795 of the VPS13C protein (p.Met1795Val).

NM_020821.3(VPS13C):c.5383A>G (p.Met1795Val)

Gene: VPS13C (vacuolar protein sorting 13 homolog C; minus strand). Cytogenetic location: 15q22.2.
Variant type: single nucleotide variant.
Coding change: c.5383A>G on transcript NM_020821.3 (MANE Select); coding-DNA position 5383, A replaced by G.
Protein change: p.Met1795Val; replaces methionine 1795 with valine.
Molecular consequence: missense variant.
Genome position (GRCh38, 1-based): chr15:61,941,833, T>C on the plus strand (A>G on the coding strand, the complement: VPS13C is on the minus strand). VCF-style: chr15-61941833-T-C. GRCh37 (hg19) VCF-style: chr15-62234032-T-C.
Other names: c.5383A>G, p.Met1795Val (NM_001018088.3); c.5254A>G, p.Met1752Val (NM_017684.5, NM_018080.4); short protein forms M1752V, M1795V.
Identifiers: ClinVar variation 1448466 (VCV001448466.8), dbSNP rs753495462, ClinGen allele CA7595854.
Genomic context (GRCh38, chr15:61,941,833, plus strand): 5'-TCAACTGAGTGAGTTCGATGTTCATTTTATCAATGACTGGAGGAAGAGAATAATGTTCCA[T>C]AGGAACCAAGCTAAACTTGTTTTCAACTCTGATTAAACCCAGATCTGCTATAACAGCATT-3'
Protein context (NP_065872.1, residues 1785-1805): RVENKFSLVP[Met1795Val]EHYSLPPVID